The following is an entry in ClinVar:

NM_018979.4(WNK1):c.4320C>G (p.Ile1440Met)

Gene: WNK1 (WNK lysine deficient protein kinase 1; plus strand). Cytogenetic location: 12p13.33.
Variant type: single nucleotide variant.
Coding change: c.4320C>G on transcript NM_018979.4 (MANE Select); coding-DNA position 4320, C replaced by G.
Protein change: p.Ile1440Met; replaces isoleucine 1440 with methionine.
Molecular consequence: missense variant.
Genome position (GRCh38, 1-based): chr12:885,124, C>G. VCF-style: chr12-885124-C-G. GRCh37 (hg19) VCF-style: chr12-994290-C-G.
Other names: c.5100C>G, p.Ile1700Met (NM_001184985.2); c.3579C>G, p.Ile1193Met (NM_014823.3); c.5076C>G, p.Ile1692Met (NM_213655.5); short protein forms I1700M, I1440M, I1692M, I1193M.
Identifiers: ClinVar variation 2017253 (VCV002017253.4), dbSNP rs72650730, ClinGen allele CA383330999.
Genomic context (GRCh38, chr12:885,124, plus strand): 5'-AGTTGTCTCAATATCTACTACATCCCCGTCACTTCAAGTCCCCACATCCACATCTGAGAT[C>G]GTTGTTTCTAGTACAGCACTGTATCCTTCAGTAACAGTTTCAGCAACTTCAGCCTCTGCA-3'
Protein context (NP_061852.3, residues 1430-1450): SLQVPTSTSE[Ile1440Met]VVSSTALYPS

ClinVar aggregate classification (germline): Uncertain significance (1 of 4 stars; one submission).

Conditions:
Neuropathy, hereditary sensory and autonomic, type 2A (HSAN2A). Also called: ACROOSTEOLYSIS, GIACCAI TYPE; ACROOSTEOLYSIS, NEUROGENIC; MORVAN DISEASE; NEUROPATHY, CONGENITAL SENSORY; NEUROPATHY, HEREDITARY SENSORY RADICULAR, AUTOSOMAL RECESSIVE; NEUROPATHY, HEREDITARY SENSORY, TYPE IIA. Identifiers: Orphanet 970, MedGen C2752089, MONDO:0024309, OMIM 201300.
Pseudohypoaldosteronism type 2C (PHA2C). Also called: Pseudohypoaldosteronism Type IIC. Identifiers: Orphanet 757, Orphanet 88940, MedGen C1840391, MONDO:0013778, OMIM 614492.

gnomAD v4.1: 2 of 1,614,196 alleles (0.00012%); highest among the groups gnomAD compares: East Asian, 0.0022%; no homozygotes.

Submission:

Labcorp Genetics (formerly Invitae), Labcorp
Classification: Uncertain significance for Neuropathy, hereditary sensory and autonomic, type 2A; Pseudohypoaldosteronism type 2C. Last evaluated: 2022-06-15. Review status: criteria provided, single submitter. Criteria: Invitae Variant Classification Sherloc (09022015). Collection method: clinical testing. Allele origin: germline.
Comment: In summary, the available evidence is currently insufficient to determine the role of this variant in disease. Therefore, it has been classified as a Variant of Uncertain Significance. Advanced modeling of protein sequence and biophysical properties (such as structural, functional, and spatial information, amino acid conservation, physicochemical variation, residue mobility, and thermodynamic stability) performed at Invitae indicates that this missense variant is not expected to disrupt WNK1 protein function. This variant has not been reported in the literature in individuals affected with WNK1-related conditions. This variant is not present in population databases (gnomAD no frequency). This sequence change replaces isoleucine, which is neutral and non-polar, with methionine, which is neutral and non-polar, at codon 1692 of the WNK1 protein (p.Ile1692Met).